The following is an entry in ClinVar:

ClinVar aggregate classification (germline): Uncertain significance. Review status: criteria provided, multiple submitters, no conflicts (2 of 4 stars). 2 submissions from 2 submitters: Uncertain significance (2). Last evaluated 2023-07-07.

Conditions:
EPILEPSY, CHILDHOOD ABSENCE, SUSCEPTIBILITY TO, 2 (ECA2). Identifiers: Orphanet 64280, MedGen C1843244, OMIM 607681.
Febrile seizures, familial, 8 (FEB8). Also called: CONVULSIONS, FAMILIAL FEBRILE, 8. Identifiers: Orphanet 36387, MedGen C1969810, MONDO:0011891, OMIM 607681.

Allele frequency attached by ClinVar (database versions not stated): gnomAD exomes below 0.00001; TOPMed 0.00001.
gnomAD v4.1: 2 of 1,614,038 alleles (0.00012%); highest among the groups gnomAD compares: Non-Finnish European, 0.00017%; no homozygotes.

Submissions (2):

Labcorp Genetics (formerly Invitae), Labcorp
Classification: Uncertain significance for Febrile seizures, familial, 8; EPILEPSY, CHILDHOOD ABSENCE, SUSCEPTIBILITY TO, 2. Last evaluated: 2023-07-07. Review status: criteria provided, single submitter. Criteria: Invitae Variant Classification Sherloc (09022015). Collection method: clinical testing. Allele origin: germline.
Comment: This sequence change replaces glycine, which is neutral and non-polar, with serine, which is neutral and polar, at codon 405 of the GABRG2 protein (p.Gly405Ser). This variant is not present in population databases (gnomAD no frequency). This variant has not been reported in the literature in individuals affected with GABRG2-related conditions. ClinVar contains an entry for this variant (Variation ID: 2187774). Advanced modeling of protein sequence and biophysical properties (such as structural, functional, and spatial information, amino acid conservation, physicochemical variation, residue mobility, and thermodynamic stability) has been performed at Invitae for this missense variant, however the output from this modeling did not meet the statistical confidence thresholds required to predict the impact of this variant on GABRG2 protein function. In summary, the available evidence is currently insufficient to determine the role of this variant in disease. Therefore, it has been classified as a Variant of Uncertain Significance.

GeneDx
Classification: Uncertain significance. Last evaluated: 2023-06-21. Review status: criteria provided, single submitter. Criteria: GeneDx Variant Classification Process June 2021. Collection method: clinical testing. Allele origin: germline. Affected: yes.
Comment: Not observed at significant frequency in large population cohorts (gnomAD); In silico analysis supports that this missense variant does not alter protein structure/function; Has not been previously published as pathogenic or benign to our knowledge

NM_198904.4(GABRG2):c.1237G>A (p.Gly413Ser)

Gene: GABRG2 (gamma-aminobutyric acid type A receptor subunit gamma2; plus strand). Cytogenetic location: 5q34.
Variant type: single nucleotide variant.
Coding change: c.1237G>A on transcript NM_198904.4 (MANE Select); coding-DNA position 1237, G replaced by A.
Protein change: p.Gly413Ser; replaces glycine 413 with serine.
Molecular consequence: missense variant. On other transcripts: 3 prime UTR variant (1).
Genome position (GRCh38, 1-based): chr5:162,153,177, G>A. VCF-style: chr5-162153177-G-A. GRCh37 (hg19) VCF-style: chr5-161580183-G-A.
Other names: c.1213G>A, p.Gly405Ser (NM_000816.3); c.1228G>A, p.Gly410Ser (NM_001375339.1); c.*71G>A (NM_001375340.1); c.1234G>A, p.Gly412Ser (NM_001375341.1); c.1210G>A, p.Gly404Ser (NM_001375342.1); c.1333G>A, p.Gly445Ser (NM_001375343.1); c.1276G>A, p.Gly426Ser (NM_001375344.1); c.1147G>A, p.Gly383Ser (NM_001375345.1); and 6 more; short protein forms G391S, G404S, G410S, G412S, G413S, G265S, G310S, G426S.
Identifiers: ClinVar variation 2187774 (VCV002187774.5), dbSNP rs1229153846, ClinGen allele CA362183513.
Genomic context (GRCh38, chr5:162,153,177, plus strand): 5'-AGATCAGCAACCATTCAAATGAATAATGCTACACACCTTCAAGAGAGAGATGAAGAGTAC[G>A]GCTATGAGTGTCTGGACGGCAAGGACTGTGCCAGTTTTTTCTGCTGTTTTGAAGATTGTC-3'
Protein context (NP_944494.1, residues 403-423): THLQERDEEY[Gly413Ser]YECLDGKDCA